The following is an entry in ClinVar:

NC_000002.11:g.(?_220283185)_(220314013_?)dup

Genes: SPEG (striated muscle enriched protein kinase; plus strand), DES (desmin; plus strand). Cytogenetic location: 2q35.
Variant type: Duplication.
Identifiers: ClinVar variation 3247399 (VCV003247399.1).

ClinVar aggregate classification (germline): Uncertain significance (1 of 4 stars; one submission).

Conditions:
Desmin-related myofibrillar myopathy (MFM1). Also called: Desminopathy; MYOFIBRILLAR MYOPATHY WITH ARRHYTHMOGENIC RIGHT VENTRICULAR CARDIOMYOPATHY; DESMIN-RELATED MYOPATHY WITH ARRHYTHMOGENIC RIGHT VENTRICULAR CARDIOMYOPATHY; Desmin related myopathy (former name); Desmin storage myopathy (former name); Myofibrillar myopathy 1. Identifiers: Orphanet 363543, Orphanet 98909, MedGen C1832370, MONDO:0011076, OMIM 601419.

Submission:

Labcorp Genetics (formerly Invitae), Labcorp
Classification: Uncertain significance for Desmin-related myofibrillar myopathy. Last evaluated: 2023-12-14. Review status: criteria provided, single submitter. Criteria: Invitae Variant Classification Sherloc (09022015). Collection method: clinical testing. Allele origin: unknown.
Comment: A copy number gain of the genomic region encompassing the full coding sequence of the DES gene has been identified. The boundaries of this event are unknown as they extend beyond the assayed region for this gene and therefore may encompass additional genes. As the precise location of this event is unknown, it may be in tandem or it may be located elsewhere in the genome. This variant has not been reported in the literature in individuals affected with DES-related conditions. In summary, the available evidence is currently insufficient to determine the role of this variant in disease. Therefore, it has been classified as a Variant of Uncertain Significance.